The following is an entry in ClinVar:

ClinVar aggregate classification (germline): Benign/Likely benign. Review status: criteria provided, multiple submitters, no conflicts (2 of 4 stars). 4 submissions from 4 submitters: Benign (1); Likely benign (3). Last evaluated 2026-07-14.

Conditions:
Hereditary cancer-predisposing syndrome. Also called: Hereditary Cancer Syndrome; Hereditary neoplastic syndrome; Neoplastic Syndromes, Hereditary; Tumor predisposition. Identifiers: Orphanet 140162, MedGen C0027672, MeSH D009386, MONDO:0015356.
Rhabdoid tumor predisposition syndrome 2 (RTPS2). Identifiers: Orphanet 231108, Orphanet 69077, MedGen C2750074, MONDO:0013224, OMIM 613325.
Intellectual disability, autosomal dominant 16 (CSS4). Also called: COFFIN-SIRIS SYNDROME 4. Identifiers: Orphanet 1465, MedGen C3553249, MONDO:0013821, OMIM 614609.

Allele frequency attached by ClinVar (database versions not stated): TOPMed below 0.00001; gnomAD exomes 0.00001 and below 0.00001.
gnomAD v4.1: 5 of 1,611,588 alleles (0.00031%); highest among the groups gnomAD compares: Admixed American, 0.0033%; no homozygotes.

Submissions (4):

Myriad Genetics, Inc.
Classification: Benign for Rhabdoid tumor predisposition syndrome 2. Last evaluated: 2026-07-14. Review status: criteria provided, single submitter. Criteria: Myriad Autosomal Dominant, Autosomal Recessive and X-Linked Classification Criteria (2023). Collection method: clinical testing. Allele origin: unknown.
Comment: This variant is considered benign. This variant is a silent/synonymous amino acid change and it is not expected to impact splicing.

Labcorp Genetics (formerly Invitae), Labcorp
Classification: Likely benign for Rhabdoid tumor predisposition syndrome 2. Last evaluated: 2025-11-17. Review status: criteria provided, single submitter. Criteria: Invitae Variant Classification Sherloc (09022015). Collection method: clinical testing. Allele origin: germline.

Fulgent Genetics
Classification: Likely benign for Rhabdoid tumor predisposition syndrome 2; Intellectual disability, autosomal dominant 16. Last evaluated: 2022-05-24. Review status: criteria provided, single submitter. Criteria: ACMG Guidelines, 2015. Collection method: clinical testing. Allele origin: unknown.

Ambry Genetics
Classification: Likely benign for Hereditary cancer-predisposing syndrome. Last evaluated: 2017-09-25. Review status: criteria provided, single submitter. Criteria: Ambry Variant Classification Scheme 2023. Collection method: clinical testing. Allele origin: germline.

NM_003072.5(SMARCA4):c.3396G>A (p.Ala1132=)

Gene: SMARCA4 (SWI/SNF related BAF chromatin remodeling complex subunit ATPase 4; plus strand). Cytogenetic location: 19p13.2.
Variant type: single nucleotide variant.
Coding change: c.3396G>A on transcript NM_003072.5 (MANE Select); coding-DNA position 3396, G replaced by A.
Protein change: p.Ala1132=; no amino-acid change (alanine 1132 retained).
Molecular consequence: synonymous variant. On other transcripts: non-coding transcript variant (1).
Genome position (GRCh38, 1-based): chr19:11,030,743, G>A. VCF-style: chr19-11030743-G-A. GRCh37 (hg19) VCF-style: chr19-11141419-G-A.
Other names: c.3396G>A, p.Ala1132= (NM_001128844.3, NM_001128845.2, NM_001128846.2 and 5 more transcripts).
Identifiers: ClinVar variation 415109 (VCV000415109.18), dbSNP rs1060504446, ClinGen allele CA16616160.